The following is an entry in ClinVar:

NM_000492.4(CFTR):c.1262C>T (p.Thr421Ile)

Genes: CFTR (CF transmembrane conductance regulator; plus strand), CFTR-AS1 (CFTR antisense RNA 1; minus strand). Cytogenetic location: 7q31.2.
Variant type: single nucleotide variant.
Coding change: c.1262C>T on transcript NM_000492.4 (MANE Select); coding-DNA position 1262, C replaced by T.
Protein change: p.Thr421Ile; replaces threonine 421 with isoleucine.
Molecular consequence: missense variant.
Genome position (GRCh38, 1-based): chr7:117,548,693, C>T. VCF-style: chr7-117548693-C-T. GRCh37 (hg19) VCF-style: chr7-117188747-C-T.
Other names: short protein forms T421I.
Identifiers: ClinVar variation 3704919 (VCV003704919.2).

ClinVar aggregate classification (germline): Uncertain significance (1 of 4 stars; one submission).

Conditions:
Cystic fibrosis (CF). Also called: MUCOVISCIDOSIS. Identifiers: Orphanet 586, MedGen C0010674, MONDO:0009061, OMIM 219700. Disease mechanism: loss of function.

Submission:

Labcorp Genetics (formerly Invitae), Labcorp
Classification: Uncertain significance for Cystic fibrosis. Last evaluated: 2024-02-05. Review status: criteria provided, single submitter. Criteria: Invitae Variant Classification Sherloc (09022015). Collection method: clinical testing. Allele origin: germline.
Comment: This sequence change replaces threonine, which is neutral and polar, with isoleucine, which is neutral and non-polar, at codon 421 of the CFTR protein (p.Thr421Ile). This variant is not present in population databases (gnomAD no frequency). This variant has not been reported in the literature in individuals affected with CFTR-related conditions. Advanced modeling of protein sequence and biophysical properties (such as structural, functional, and spatial information, amino acid conservation, physicochemical variation, residue mobility, and thermodynamic stability) performed at Invitae indicates that this missense variant is not expected to disrupt CFTR protein function with a negative predictive value of 80%. In summary, the available evidence is currently insufficient to determine the role of this variant in disease. Therefore, it has been classified as a Variant of Uncertain Significance.